The following is an entry in ClinVar:

NM_004006.3(DMD):c.5917C>G (p.Gln1973Glu)

Gene: DMD (dystrophin; minus strand). Cytogenetic location: Xp21.1.
Variant type: single nucleotide variant.
Coding change: c.5917C>G on transcript NM_004006.3 (MANE Select); coding-DNA position 5917, C replaced by G.
Protein change: p.Gln1973Glu; replaces glutamine 1973 with glutamic acid.
Molecular consequence: missense variant.
Genome position (GRCh38, 1-based): chrX:32,342,105, G>C on the plus strand (C>G on the coding strand, the complement: DMD is on the minus strand). VCF-style: chrX-32342105-G-C. GRCh37 (hg19) VCF-style: chrX-32360222-G-C.
Other names: c.5893C>G, p.Gln1965Glu (NM_000109.4); c.5905C>G, p.Gln1969Glu (NM_004009.3); c.5548C>G, p.Gln1850Glu (NM_004010.3); c.1894C>G, p.Gln632Glu (NM_004011.4); c.1885C>G, p.Gln629Glu (NM_004012.4); short protein forms Q1850E, Q1969E, Q1965E, Q632E, Q1973E, Q629E.
Identifiers: ClinVar variation 1501806 (VCV001501806.8), dbSNP rs863225005, ClinGen allele CA412664661.

ClinVar aggregate classification (germline): Uncertain significance (1 of 4 stars; one submission).

Conditions:
Duchenne muscular dystrophy (DMD). Also called: Duchenne Muscular Dystrophy (DMD); MUSCULAR DYSTROPHY, PSEUDOHYPERTROPHIC PROGRESSIVE, DUCHENNE TYPE. Identifiers: Orphanet 98896, MedGen C0013264, MONDO:0010679, OMIM 310200.

Allele frequency attached by ClinVar (database versions not stated): gnomAD exomes below 0.00001; TOPMed 0.00001.
gnomAD v4.1: 1 of 1,207,623 alleles (0.000083%); highest among the groups gnomAD compares: Non-Finnish European, 0.00011%; no homozygotes.

Submission:

Labcorp Genetics (formerly Invitae), Labcorp
Classification: Uncertain significance for Duchenne muscular dystrophy. Last evaluated: 2021-06-07. Review status: criteria provided, single submitter. Criteria: Invitae Variant Classification Sherloc (09022015). Collection method: clinical testing. Allele origin: germline.
Comment: This variant has not been reported in the literature in individuals with DMD-related conditions. Algorithms developed to predict the effect of missense changes on protein structure and function (SIFT, PolyPhen-2, Align-GVGD) all suggest that this variant is likely to be tolerated, but these predictions have not been confirmed by published functional studies and their clinical significance is uncertain. Algorithms developed to predict the effect of sequence changes on RNA splicing suggest that this variant may create or strengthen a splice site, but this prediction has not been confirmed by published transcriptional studies. In summary, the available evidence is currently insufficient to determine the role of this variant in disease. Therefore, it has been classified as a Variant of Uncertain Significance. This variant is not present in population databases (ExAC no frequency). This sequence change replaces glutamine with glutamic acid at codon 1973 of the DMD protein (p.Gln1973Glu). The glutamine residue is highly conserved and there is a small physicochemical difference between glutamine and glutamic acid.